The following is an entry in ClinVar:

NM_001079872.2(CUL4B):c.1852+4G>A

Gene: CUL4B (cullin 4B; minus strand). Cytogenetic location: Xq24.
Variant type: single nucleotide variant.
Coding change: c.1852+4G>A on transcript NM_001079872.2 (MANE Select); 4 bases into the intron after coding-DNA position 1852, G replaced by A.
Molecular consequence: intron variant.
Genome position (GRCh38, 1-based): chrX:120,538,656, C>T on the plus strand (G>A on the coding strand, the complement: CUL4B is on the minus strand). VCF-style: chrX-120538656-C-T. GRCh37 (hg19) VCF-style: chrX-119672511-C-T.
Other names: c.1906+4G>A (NM_003588.4); c.1867+4G>A (NM_001330624.2); c.1318+4G>A (NM_001369145.1).
Identifiers: ClinVar variation 4996727 (VCV004996727.1).

ClinVar aggregate classification (germline): Likely benign (1 of 4 stars; one submission).

Conditions:
CUL4B-related disorder. Also called: CUL4B-related condition.

Submission:

PreventionGenetics, part of Exact Sciences
Classification: Likely benign for CUL4B-related condition. Last evaluated: 2025-08-07. Review status: criteria provided, single submitter. Criteria: ACMG Guidelines, 2015. Collection method: clinical testing. Allele origin: germline.
Comment: This variant is classified as likely benign based on ACMG/AMP sequence variant interpretation guidelines (Richards et al. 2015 PMID: 25741868, with internal and published modifications).